The following is an entry in ClinVar:

ClinVar aggregate classification (germline): Uncertain significance (1 of 4 stars; one submission).

gnomAD v4.1: 70 of 1,614,086 alleles (0.0043%); highest among the groups gnomAD compares: Non-Finnish European, 0.0058%; no homozygotes.

Submission:

Labcorp Genetics (formerly Invitae), Labcorp
Classification: Uncertain significance. Last evaluated: 2025-06-15. Review status: criteria provided, single submitter. Criteria: Invitae Variant Classification Sherloc (09022015). Collection method: clinical testing. Allele origin: germline.
Comment: This sequence change replaces serine, which is neutral and polar, with cysteine, which is neutral and slightly polar, at codon 52 of the FGF10 protein (p.Ser52Cys). This variant is present in population databases (rs775259892, gnomAD 0.005%). This variant has not been reported in the literature in individuals affected with FGF10-related conditions. An algorithm developed to predict the effect of missense changes on protein structure and function (PolyPhen-2) suggests that this variant is likely to be tolerated. In summary, the available evidence is currently insufficient to determine the role of this variant in disease. Therefore, it has been classified as a Variant of Uncertain Significance.

NM_004465.2(FGF10):c.155C>G (p.Ser52Cys)

Gene: FGF10 (fibroblast growth factor 10; minus strand). Cytogenetic location: 5p12.
Variant type: single nucleotide variant.
Coding change: c.155C>G on transcript NM_004465.2 (MANE Select); coding-DNA position 155, C replaced by G.
Protein change: p.Ser52Cys; replaces serine 52 with cysteine.
Molecular consequence: missense variant.
Genome position (GRCh38, 1-based): chr5:44,388,528, G>C on the plus strand (C>G on the coding strand, the complement: FGF10 is on the minus strand). VCF-style: chr5-44388528-G-C. GRCh37 (hg19) VCF-style: chr5-44388630-G-C.
Other names: short protein forms S52C.
Identifiers: ClinVar variation 4701777 (VCV004701777.1).